The following is an entry in ClinVar:

NM_000059.4(BRCA2):c.1195del (p.Thr399fs)

Gene: BRCA2 (BRCA2 DNA repair associated; plus strand). Cytogenetic location: 13q13.1.
Variant type: Deletion.
Coding change: c.1195del on transcript NM_000059.4 (MANE Select); coding-DNA position 1195, one base deleted (A; older notation c.1195delA).
Protein change: p.Thr399fs; shifts the reading frame from threonine 399.
Molecular consequence: frameshift variant.
Genome position (GRCh38, 1-based): chr13:32,332,673, A deleted; the last of 2 consecutive A bases (chr13:32,332,672-32,332,673); deleting either gives the same sequence. VCF-style (leftmost placement, unchanged base first): chr13-32332671-TA-T. GRCh37 (hg19) VCF-style: chr13-32906808-TA-T.
Other names: 1422delA; short protein forms T399fs.
Identifiers: ClinVar variation 266615 (VCV000266615.5), dbSNP rs886040348, ClinGen allele CA10589076.

ClinVar aggregate classification (germline): Pathogenic. Review status: reviewed by expert panel (3 of 4 stars). 2 submissions from 2 submitters: Pathogenic (1). 1 of the submissions does not count toward it. Last evaluated 2016-10-18.

Conditions:
Breast-ovarian cancer, familial, susceptibility to, 2 (BROVCA2). Also called: BRCA2 Hereditary Breast and Ovarian Cancer. Identifiers: Orphanet 145, MedGen C2675520, MONDO:0012933, OMIM 612555. Disease mechanism: loss of function.

Submissions (2):

Evidence-based Network for the Interpretation of Germline Mutant Alleles (ENIGMA)
Classification: Pathogenic for Breast-ovarian cancer, familial, susceptibility to, 2. Last evaluated: 2016-10-18. Review status: reviewed by expert panel. Criteria: ENIGMA BRCA1/2 Classification Criteria (2015). Collection method: curation. Allele origin: germline.
Comment: Variant allele predicted to encode a truncated non-functional protein.

Consortium of Investigators of Modifiers of BRCA1/2 (CIMBA), c/o University of Cambridge
Classification: Pathogenic for Breast-ovarian cancer, familial, susceptibility to, 2. Last evaluated: 2015-10-02. Review status: criteria provided, single submitter. Criteria: CIMBA Mutation Classification guidelines May 2016. Collection method: clinical testing. Allele origin: germline. Not counted in ClinVar's aggregate classification.